The following is an entry in ClinVar:

ClinVar aggregate classification (germline): Likely benign (1 of 4 stars; one submission).

Submission:

GeneDx
Classification: Likely benign. Last evaluated: 2021-05-17. Review status: criteria provided, single submitter. Criteria: GeneDx Variant Classification Process June 2021. Collection method: clinical testing. Allele origin: germline. Affected: yes.
Comment: See Variant Classification Assertion Criteria.

NM_003039.3(SLC2A5):c.997-250del

Gene: SLC2A5 (solute carrier family 2 member 5; minus strand). Cytogenetic location: 1p36.23.
Variant type: Deletion.
Coding change: c.997-250del on transcript NM_003039.3 (MANE Select); 250 bases into the intron before coding-DNA position 997, one base deleted (G; older notation c.997-250delG).
Molecular consequence: intron variant.
Genome position (GRCh38, 1-based): chr1:9,039,179, C deleted on the plus strand (G on the coding strand, the reverse complement: SLC2A5 is on the minus strand); the first of 2 consecutive C bases (chr1:9,039,179-9,039,180); deleting either gives the same sequence. VCF-style (leftmost placement, unchanged base first): chr1-9039178-GC-G. GRCh37 (hg19) VCF-style: chr1-9099237-GC-G.
Other names: c.997-250del (NM_001328619.2); c.556-250del (NM_001328621.2); c.865-250del (NM_001328620.2).
Identifiers: ClinVar variation 1684066 (VCV001684066.2), dbSNP rs35424773, ClinGen allele CA17716013.